The following is an entry in ClinVar:

ClinVar aggregate classification (germline): Likely pathogenic (1 of 4 stars; one submission).

Conditions:
Wilson disease (WND). Also called: Wilson's disease. Identifiers: Orphanet 905, MedGen C0019202, MONDO:0010200, OMIM 277900. Disease mechanism: loss of function.

Submission:

Labcorp Genetics (formerly Invitae), Labcorp
Classification: Likely pathogenic for Wilson disease. Last evaluated: 2021-02-24. Review status: criteria provided, single submitter. Criteria: Invitae Variant Classification Sherloc (09022015). Collection method: clinical testing. Allele origin: germline.
Comment: This variant has not been reported in the literature in individuals with ATP7B-related conditions. This variant results in the deletion of part of exon 3 (c.1286-186_1459del) of the ATP7B gene. It is expected to disrupt RNA splicing. Variants that disrupt the donor or acceptor splice site typically lead to a loss of protein function (PMID: 16199547), and loss-of-function variants in ATP7B are known to be pathogenic (PMID: 10441329, 16283883). In summary, the currently available evidence indicates that the variant is pathogenic, but additional data are needed to prove that conclusively. Therefore, this variant has been classified as Likely Pathogenic.

Literature cited by the submitters: PubMed 16199547; PubMed 10441329; PubMed 16283883.

NC_000013.10:g.(?_52544712)_(52545071_?)del

Gene: ATP7B (ATPase copper transporting beta; minus strand). Cytogenetic location: 13q14.3.
Variant type: Deletion.
Identifiers: ClinVar variation 1345666 (VCV001345666.4).